The following is an entry in ClinVar:

ClinVar aggregate classification (germline): Benign/Likely benign. Review status: criteria provided, multiple submitters, no conflicts (2 of 4 stars). 6 submissions from 6 submitters: Benign (2); Likely benign (2). 2 of the submissions do not count toward it. Last evaluated 2025-06-12.

Submissions (6):

Mayo Clinic Laboratories, Mayo Clinic
Classification: Benign. Last evaluated: 2025-06-12. Review status: criteria provided, single submitter. Criteria: ACMG Guidelines, 2015. Collection method: clinical testing. Allele origin: germline. Observed: 3 variant alleles.
Comment: BA1, BP4, BP7

Laboratory of Genetics, Children's Clinical University Hospital Latvia
Classification: Benign. Last evaluated: 2025-02-16. Review status: criteria provided, single submitter. Criteria: ACMG Guidelines, 2015. Collection method: clinical testing. Allele origin: germline. Affected: yes.

Blueprint Genetics
Classification: Likely benign. Last evaluated: 2024-11-25. Review status: criteria provided, single submitter. Criteria: ACMG Guidelines, 2015. Collection method: clinical testing. Allele origin: germline.

Labcorp Genetics (formerly Invitae), Labcorp
Classification: Likely benign. Last evaluated: 2019-11-27. Review status: criteria provided, single submitter. Criteria: Invitae Variant Classification Sherloc (09022015). Collection method: clinical testing. Allele origin: germline.

Clinical Genetics DNA and cytogenetics Diagnostics Lab, Erasmus MC, Erasmus Medical Center
Classification: Likely benign. Review status: no assertion criteria provided. Collection method: clinical testing. Allele origin: germline. Affected: yes. Study: VKGL Data-share Consensus. Not counted in ClinVar's aggregate classification.

Laboratory of Diagnostic Genome Analysis, Leiden University Medical Center (LUMC)
Classification: Likely benign. Review status: no assertion criteria provided. Collection method: clinical testing. Allele origin: germline. Affected: yes. Study: VKGL Data-share Consensus. Not counted in ClinVar's aggregate classification.

NM_001278064.2(GRM1):c.950+8TC[15]

Gene: GRM1 (glutamate metabotropic receptor 1; plus strand). Cytogenetic location: 6q24.3.
Variant type: Microsatellite.
Coding change: c.950+8TC[15] on transcript NM_001278064.2 (MANE Select); 15 copies in a row of the 2-base unit TC starting at c.950+8; the reference has 19 copies in a row; four copies, 8 bases deleted.
Molecular consequence: intron variant.
Genome position (GRCh38, 1-based): chr6:146,159,635-146,159,642, TCTCTCTC deleted; deleting any 8 consecutive bases within chr6:146,159,605-146,159,642 gives the same sequence; the position shown is the placement nearest the transcript's 3' end. VCF-style (leftmost placement, unchanged base first): chr6-146159604-TTCTCTCTC-T. GRCh37 (hg19) VCF-style: chr6-146480740-TTCTCTCTC-T.
Other names: p.?; c.950+8TC[15] (NM_001278065.2, NM_001278066.1, NM_001278067.1); c.950+38_950+45del (NM_001278064.2).
Identifiers: ClinVar variation 770560 (VCV000770560.9), dbSNP rs72225459, ClinGen allele CA452578606.
Genomic context (GRCh38, chr6:146,159,604, plus strand): 5'-CCTGAGCGCCATGCGGCGCCTTGGCGTCGTGGGCGAGTTCTCACTCATTGGAAGGTAAGT[TTCTCTCTC>T]TCTCTCTCTCTCTCTCTCTCTCTCTCTCTCACACACACACATGCACACACACACTTTGAA-3'